The following is an entry in ClinVar:

NM_001672.3(ASIP):c.114C>T (p.Ser38=)

Genes: AHCY (adenosylhomocysteinase; minus strand), ASIP (agouti signaling protein; plus strand). Cytogenetic location: 20q11.22.
Variant type: single nucleotide variant.
Coding change: c.114C>T on transcript NM_001672.3 (MANE Select); coding-DNA position 114, C replaced by T.
Protein change: p.Ser38=; no amino-acid change (serine 38 retained).
Molecular consequence: synonymous variant.
Genome position (GRCh38, 1-based): chr20:34,260,488, C>T. VCF-style: chr20-34260488-C-T. GRCh37 (hg19) VCF-style: chr20-32848294-C-T.
Other names: c.114C>T, p.Ser38= (NM_001385218.1).
Identifiers: ClinVar variation 4979275 (VCV004979275.1).

ClinVar aggregate classification (germline): Likely benign (1 of 4 stars; one submission).

Conditions:
ASIP-related condition.

gnomAD v4.1: 514 of 1,614,068 alleles (0.032%); highest among the groups gnomAD compares: African/African-American, 0.63%; 3 homozygotes.

Submission:

PreventionGenetics, part of Exact Sciences
Classification: Likely benign for ASIP-related condition. Last evaluated: 2024-10-07. Review status: criteria provided, single submitter. Criteria: ACMG Guidelines, 2015. Collection method: clinical testing. Allele origin: germline.
Comment: This variant is classified as likely benign based on ACMG/AMP sequence variant interpretation guidelines (Richards et al. 2015 PMID: 25741868, with internal and published modifications).